The following is an entry in ClinVar:

NM_000310.4(PPT1):c.727-10T>G

Gene: PPT1 (palmitoyl-protein thioesterase 1; minus strand). Cytogenetic location: 1p34.2.
Variant type: single nucleotide variant.
Coding change: c.727-10T>G on transcript NM_000310.4 (MANE Select); 10 bases into the intron before coding-DNA position 727, T replaced by G.
Molecular consequence: intron variant.
Genome position (GRCh38, 1-based): chr1:40,076,923, A>C on the plus strand (T>G on the coding strand, the complement: PPT1 is on the minus strand). VCF-style: chr1-40076923-A-C. GRCh37 (hg19) VCF-style: chr1-40542595-A-C.
Other names: c.418-10T>G (NM_001142604.2); c.726+1637T>G (NM_001363695.2).
Identifiers: ClinVar variation 989697 (VCV000989697.11), dbSNP rs554894547, ClinGen allele CA789573.

ClinVar aggregate classification (germline): Conflicting classifications of pathogenicity. Review status: criteria provided, conflicting classifications (1 of 4 stars). 3 submissions from 3 submitters: Uncertain significance (1); Likely benign (1). 1 of the submissions does not count toward it. Last evaluated 2026-01-19.

Conditions:
Neuronal ceroid lipofuscinosis 1 (CLN1). Also called: PPT1-Related Neuronal Ceroid-Lipofuscinosis; CEROID LIPOFUSCINOSIS, NEURONAL, 1, VARIABLE AGE AT ONSET. Identifiers: Orphanet 228329, MedGen C1850451, MONDO:0009744, OMIM 256730.

Allele frequency attached by ClinVar (database versions not stated): gnomAD below 0.00001 and 0.00005; TOPMed 0.00002; gnomAD exomes 0.00009 and 0.00020; ExAC 0.00021; 1000 Genomes Project 30x 0.00031; 1000 Genomes Project 0.00040.
gnomAD v4.1: 136 of 1,614,094 alleles (0.0084%); highest among the groups gnomAD compares: South Asian, 0.14%; 2 homozygotes.

Submissions (3):

Labcorp Genetics (formerly Invitae), Labcorp
Classification: Likely benign for Neuronal ceroid lipofuscinosis 1. Last evaluated: 2026-01-19. Review status: criteria provided, single submitter. Criteria: Invitae Variant Classification Sherloc (09022015). Collection method: clinical testing. Allele origin: germline.

GeneDx
Classification: Uncertain significance. Last evaluated: 2025-08-02. Review status: criteria provided, single submitter. Criteria: GeneDx Variant Classification Process June 2021. Collection method: clinical testing. Allele origin: germline. Affected: yes.
Comment: Has not been previously published as pathogenic or benign to our knowledge; In silico analysis suggests this variant may impact gene splicing. In the absence of RNA/functional studies, the actual effect of this sequence change is unknown.

Natera, Inc.
Classification: Benign for Neuronal ceroid lipofuscinosis 1. Last evaluated: 2020-09-15. Review status: no assertion criteria provided. Collection method: clinical testing. Allele origin: germline. Not counted in ClinVar's aggregate classification.